The following is an entry in ClinVar:

NM_000628.5(IL10RB):c.49+5G>A

Genes: IFNAR2-IL10RB (IFNAR2-IL10RB readthrough; plus strand), IL10RB (interleukin 10 receptor subunit beta; plus strand), LOC130066558 (ATAC-STARR-seq lymphoblastoid silent region 13254; plus strand). Cytogenetic location: 21q22.11.
Variant type: single nucleotide variant.
Coding change: c.49+5G>A on transcript NM_000628.5 (MANE Select); 5 bases into the intron after coding-DNA position 49, G replaced by A.
Molecular consequence: intron variant.
Genome position (GRCh38, 1-based): chr21:33,266,519, G>A. VCF-style: chr21-33266519-G-A. GRCh37 (hg19) VCF-style: chr21-34638824-G-A.
Identifiers: ClinVar variation 1450597 (VCV001450597.6), dbSNP rs1053750670, ClinGen allele CA320140036.

ClinVar aggregate classification (germline): Uncertain significance (1 of 4 stars; one submission).

Conditions:
Inflammatory bowel disease 25. Also called: Inflammatory bowel disease 25, early onset, autosomal recessive. Identifiers: Orphanet 238569, MedGen C2675508, MONDO:0012941, OMIM 612567.

Allele frequency attached by ClinVar (database versions not stated): gnomAD exomes below 0.00001 and 0.00001; gnomAD 0.00002; TOPMed 0.00003.

Submission:

Labcorp Genetics (formerly Invitae), Labcorp
Classification: Uncertain significance for Inflammatory bowel disease 25. Last evaluated: 2022-09-12. Review status: criteria provided, single submitter. Criteria: Invitae Variant Classification Sherloc (09022015). Collection method: clinical testing. Allele origin: germline.
Comment: This sequence change falls in intron 1 of the IL10RB gene. It does not directly change the encoded amino acid sequence of the IL10RB protein. It affects a nucleotide within the consensus splice site. This variant is not present in population databases (gnomAD no frequency). This variant has not been reported in the literature in individuals affected with IL10RB-related conditions. ClinVar contains an entry for this variant (Variation ID: 1450597). Variants that disrupt the consensus splice site are a relatively common cause of aberrant splicing (PMID: 17576681, 9536098). Algorithms developed to predict the effect of sequence changes on RNA splicing suggest that this variant is not likely to affect RNA splicing. In summary, the available evidence is currently insufficient to determine the role of this variant in disease. Therefore, it has been classified as a Variant of Uncertain Significance.

Literature cited by the submitters: PubMed 17576681; PubMed 9536098.